The following is an entry in ClinVar:

NM_003611.3(OFD1):c.2276A>G (p.His759Arg)

Gene: OFD1 (OFD1 centriole and centriolar satellite protein; plus strand). Cytogenetic location: Xp22.2.
Variant type: single nucleotide variant.
Coding change: c.2276A>G on transcript NM_003611.3 (MANE Select); coding-DNA position 2276, A replaced by G.
Protein change: p.His759Arg; replaces histidine 759 with arginine.
Molecular consequence: missense variant.
Genome position (GRCh38, 1-based): chrX:13,761,100, A>G. VCF-style: chrX-13761100-A-G. GRCh37 (hg19) VCF-style: chrX-13779219-A-G.
Other names: c.2156A>G, p.His719Arg (NM_001330209.2, NM_001440948.1); c.1856A>G, p.His619Arg (NM_001330210.2); c.2276A>G, p.His759Arg (NM_001440947.1); short protein forms H719R, H759R, H619R.
Identifiers: ClinVar variation 4782974 (VCV004782974.1).
Genomic context (GRCh38, chrX:13,761,100, plus strand): 5'-CGTGCAATTGGTAATATTCTTGCCTTGGTTCTTTCTGCACCTTAGGTCTGGGCAGATCAC[A>G]CATTGCTTCCCCCAGTCCTTGTCCTGACAGAATGCCCCTACCATCACCCACTGAGTCTAG-3'
Protein context (NP_003602.1, residues 749-769): EMYLEGLGRS[His759Arg]IASPSPCPDR

ClinVar aggregate classification (germline): Uncertain significance (1 of 4 stars; one submission).

Conditions:
Joubert syndrome. Also called: Familial aplasia of the vermis; JOUBERT-BOLTSHAUSER SYNDROME; CEREBELLOPARENCHYMAL DISORDER IV. Identifiers: Orphanet 475, MedGen C5979921, MONDO:0018772.
Orofaciodigital syndrome I (OFD1). Also called: Papillon-Leage and Psaume Syndrome; OFDS I; Oral-Facial-Digital Syndrome Type I. Identifiers: Orphanet 2750, MedGen C1510460, MONDO:0010702, OMIM 311200.

Submission:

Labcorp Genetics (formerly Invitae), Labcorp
Classification: Uncertain significance for Orofaciodigital syndrome I; Joubert syndrome. Last evaluated: 2025-09-22. Review status: criteria provided, single submitter. Criteria: Invitae Variant Classification Sherloc (09022015). Collection method: clinical testing. Allele origin: germline.
Comment: This sequence change replaces histidine, which is basic and polar, with arginine, which is basic and polar, at codon 759 of the OFD1 protein (p.His759Arg). This variant is not present in population databases (gnomAD no frequency). This variant has not been reported in the literature in individuals affected with OFD1-related conditions. Invitae Evidence Modeling of protein sequence and biophysical properties (such as structural, functional, and spatial information, amino acid conservation, physicochemical variation, residue mobility, and thermodynamic stability) indicates that this missense variant is not expected to disrupt OFD1 protein function with a negative predictive value of 80%. In summary, the available evidence is currently insufficient to determine the role of this variant in disease. Therefore, it has been classified as a Variant of Uncertain Significance.